The following is an entry in ClinVar:

ClinVar aggregate classification (germline): Uncertain significance (1 of 4 stars; one submission).

Submission:

GeneDx
Classification: Uncertain significance. Last evaluated: 2025-04-06. Review status: criteria provided, single submitter. Criteria: GeneDx Variant Classification Process June 2021. Collection method: clinical testing. Allele origin: germline. Affected: yes.
Comment: Not observed at significant frequency in large population cohorts (gnomAD); In silico analysis supports that this missense variant has a deleterious effect on protein structure/function; Has not been previously published as pathogenic or benign to our knowledge

NM_015557.3(CHD5):c.3589A>G (p.Thr1197Ala)

Gene: CHD5 (chromodomain helicase DNA binding protein 5; minus strand). Cytogenetic location: 1p36.31.
Variant type: single nucleotide variant.
Coding change: c.3589A>G on transcript NM_015557.3 (MANE Select); coding-DNA position 3589, A replaced by G.
Protein change: p.Thr1197Ala; replaces threonine 1197 with alanine.
Molecular consequence: missense variant.
Genome position (GRCh38, 1-based): chr1:6,128,868, T>C on the plus strand (A>G on the coding strand, the complement: CHD5 is on the minus strand). VCF-style: chr1-6128868-T-C. GRCh37 (hg19) VCF-style: chr1-6188928-T-C.
Other names: short protein forms T1197A.
Identifiers: ClinVar variation 4278829 (VCV004278829.1).